The following is an entry in ClinVar:

ClinVar aggregate classification (germline): Uncertain significance. Review status: criteria provided, multiple submitters, no conflicts (2 of 4 stars). 2 submissions from 2 submitters: Uncertain significance (2). Last evaluated 2025-03-15.

Conditions:
Primary ciliary dyskinesia. Also called: Ciliary dyskinesia. Identifiers: Orphanet 244, MedGen C0008780, MONDO:0016575, HP:0012265.

Allele frequency attached by ClinVar (database versions not stated): gnomAD 0.00001; gnomAD exomes 0.00001; TOPMed 0.00003.
gnomAD v4.1: 5 of 1,613,898 alleles (0.00031%); highest among the groups gnomAD compares: Admixed American, 0.0017%; no homozygotes.

Submissions (2):

Ambry Genetics
Classification: Uncertain significance for Primary ciliary dyskinesia. Last evaluated: 2025-03-15. Review status: criteria provided, single submitter. Criteria: Ambry Variant Classification Scheme 2023. Collection method: clinical testing. Allele origin: germline.

Labcorp Genetics (formerly Invitae), Labcorp
Classification: Uncertain significance for Primary ciliary dyskinesia. Last evaluated: 2018-03-08. Review status: criteria provided, single submitter. Criteria: Invitae Variant Classification Sherloc (09022015). Collection method: clinical testing. Allele origin: germline.
Comment: This sequence change replaces glutamic acid with lysine at codon 402 of the RSPH4A protein (p.Glu402Lys). The glutamic acid residue is moderately conserved and there is a small physicochemical difference between glutamic acid and lysine. This variant is not present in population databases (ExAC no frequency). This variant has not been reported in the literature in individuals with RSPH4A-related disease. Algorithms developed to predict the effect of missense changes on protein structure and function do not agree on the potential impact of this missense change (SIFT: "Tolerated"; PolyPhen-2: "Possibly Damaging"; Align-GVGD: "Class C0"). In summary, the available evidence is currently insufficient to determine the role of this variant in disease. Therefore, it has been classified as a Variant of Uncertain Significance.

NM_001010892.3(RSPH4A):c.1204G>A (p.Glu402Lys)

Gene: RSPH4A (radial spoke head component 4A; plus strand). Cytogenetic location: 6q22.1.
Variant type: single nucleotide variant.
Coding change: c.1204G>A on transcript NM_001010892.3 (MANE Select); coding-DNA position 1204, G replaced by A.
Protein change: p.Glu402Lys; replaces glutamic acid 402 with lysine.
Molecular consequence: missense variant.
Genome position (GRCh38, 1-based): chr6:116,627,911, G>A. VCF-style: chr6-116627911-G-A. GRCh37 (hg19) VCF-style: chr6-116949074-G-A.
Other names: c.1204G>A, p.Glu402Lys (NM_001161664.2); short protein forms E402K.
Identifiers: ClinVar variation 571704 (VCV000571704.8), dbSNP rs945197853, ClinGen allele CA145927153.